The following is an entry in ClinVar:

ClinVar aggregate classification (germline): Uncertain significance (1 of 4 stars; one submission).

Submission:

GeneDx
Classification: Uncertain significance. Last evaluated: 2024-09-04. Review status: criteria provided, single submitter. Criteria: GeneDx Variant Classification Process June 2021. Collection method: clinical testing. Allele origin: germline. Affected: yes.
Comment: Not observed at significant frequency in large population cohorts (gnomAD); Nonsense variant predicted to result in protein truncation or nonsense mediated decay in a gene or region of a gene for which loss of function is not a well-established mechanism of disease; Has not been previously published as pathogenic or benign to our knowledge

NM_004333.6(BRAF):c.172C>T (p.Gln58Ter)

Gene: BRAF (B-Raf proto-oncogene, serine/threonine kinase; minus strand). Cytogenetic location: 7q34.
Variant type: single nucleotide variant.
Coding change: c.172C>T on transcript NM_004333.6 (MANE Select); coding-DNA position 172, C replaced by T.
Protein change: p.Gln58Ter; replaces glutamine 58 with a stop codon.
Molecular consequence: nonsense. On other transcripts: intron variant (1).
Genome position (GRCh38, 1-based): chr7:140,850,179, G>A on the plus strand (C>T on the coding strand, the complement: BRAF is on the minus strand). VCF-style: chr7-140850179-G-A. GRCh37 (hg19) VCF-style: chr7-140549979-G-A.
Other names: c.172C>T, p.Gln58Ter (NM_001354609.2, NM_001374244.1, NM_001374258.1 and 6 more transcripts); c.16C>T, p.Gln6Ter (NM_001378472.1, NM_001378473.1); c.139-15307C>T (NM_001378470.1); short protein forms Q58*, Q6*.
Identifiers: ClinVar variation 3767694 (VCV003767694.1).